The following is an entry in ClinVar:

ClinVar aggregate classification (germline): Uncertain significance. Review status: criteria provided, multiple submitters, no conflicts (2 of 4 stars). 2 submissions from 2 submitters: Uncertain significance (2). Last evaluated 2024-11-01.

Conditions:
Hereditary cancer-predisposing syndrome. Also called: Tumor predisposition; Neoplastic Syndromes, Hereditary; Hereditary Cancer Syndrome; Hereditary neoplastic syndrome. Identifiers: Orphanet 140162, MedGen C0027672, MeSH D009386, MONDO:0015356.
Breast-ovarian cancer, familial, susceptibility to, 4. Identifiers: Orphanet 145, MedGen C3280345, MONDO:0013669, OMIM 614291.

Allele frequency attached by ClinVar (database versions not stated): gnomAD exomes below 0.00001; ExAC 0.00001; 1000 Genomes Project 30x 0.00016; 1000 Genomes Project 0.00020.
gnomAD v4.1: 6 of 1,611,724 alleles (0.00037%); highest among the groups gnomAD compares: South Asian, 0.0066%; 1 homozygote.

Submissions (2):

Ambry Genetics
Classification: Uncertain significance for Hereditary cancer-predisposing syndrome. Last evaluated: 2024-11-01. Review status: criteria provided, single submitter. Criteria: Ambry Variant Classification Scheme 2023. Collection method: clinical testing. Allele origin: germline.
Comment: The p.A231V variant (also known as c.692C>T), located in coding exon 8 of the RAD51D gene, results from a C to T substitution at nucleotide position 692. The alanine at codon 231 is replaced by valine, an amino acid with similar properties. This amino acid position is conserved. In addition, this alteration is predicted to be deleterious by in silico analysis. Based on the available evidence, the clinical significance of this variant remains unclear.

Labcorp Genetics (formerly Invitae), Labcorp
Classification: Uncertain significance for Breast-ovarian cancer, familial, susceptibility to, 4. Last evaluated: 2023-06-16. Review status: criteria provided, single submitter. Criteria: Invitae Variant Classification Sherloc (09022015). Collection method: clinical testing. Allele origin: germline.
Comment: In summary, the available evidence is currently insufficient to determine the role of this variant in disease. Therefore, it has been classified as a Variant of Uncertain Significance. Advanced modeling of protein sequence and biophysical properties (such as structural, functional, and spatial information, amino acid conservation, physicochemical variation, residue mobility, and thermodynamic stability) performed at Invitae indicates that this missense variant is not expected to disrupt RAD51D protein function. This variant has not been reported in the literature in individuals affected with RAD51D-related conditions. The frequency data for this variant in the population databases is considered unreliable, as metrics indicate poor data quality at this position in the gnomAD database. This sequence change replaces alanine, which is neutral and non-polar, with valine, which is neutral and non-polar, at codon 231 of the RAD51D protein (p.Ala231Val).

NM_002878.4(RAD51D):c.692C>T (p.Ala231Val)

Genes: RAD51D (RAD51 paralog D; minus strand), RAD51L3-RFFL (RAD51L3-RFFL readthrough; minus strand). Cytogenetic location: 17q12.
Variant type: single nucleotide variant.
Coding change: c.692C>T on transcript NM_002878.4 (MANE Select); coding-DNA position 692, C replaced by T.
Protein change: p.Ala231Val; replaces alanine 231 with valine.
Molecular consequence: missense variant. On other transcripts: non-coding transcript variant (3).
Genome position (GRCh38, 1-based): chr17:35,103,300, G>A on the plus strand (C>T on the coding strand, the complement: RAD51D is on the minus strand). VCF-style: chr17-35103300-G-A. GRCh37 (hg19) VCF-style: chr17-33430319-G-A.
Other names: c.752C>T, p.Ala251Val (NM_001142571.2); c.356C>T, p.Ala119Val (NM_133629.3); short protein forms A119V, A251V, A231V.
Identifiers: ClinVar variation 2839108 (VCV002839108.4), dbSNP rs535851875, ClinGen allele CA8499377.